The following is an entry in ClinVar:

ClinVar aggregate classification (germline): Uncertain significance (1 of 4 stars; one submission).

Conditions:
Primary ciliary dyskinesia. Also called: Ciliary dyskinesia. Identifiers: Orphanet 244, MedGen C0008780, MONDO:0016575, HP:0012265.

Allele frequency attached by ClinVar (database versions not stated): gnomAD exomes 0.00001.
gnomAD v4.1: 3 of 1,612,288 alleles (0.00019%); highest among the groups gnomAD compares: Middle Eastern, 0.05%; no homozygotes.

Submission:

Labcorp Genetics (formerly Invitae), Labcorp
Classification: Uncertain significance for Primary ciliary dyskinesia. Last evaluated: 2022-05-27. Review status: criteria provided, single submitter. Criteria: Invitae Variant Classification Sherloc (09022015). Collection method: clinical testing. Allele origin: germline.
Comment: This variant has not been reported in the literature in individuals affected with DNAH8-related conditions. ClinVar contains an entry for this variant (Variation ID: 639575). Algorithms developed to predict the effect of missense changes on protein structure and function are either unavailable or do not agree on the potential impact of this missense change (SIFT: "Deleterious"; PolyPhen-2: "Not Available"; Align-GVGD: "Class C0"). In summary, the available evidence is currently insufficient to determine the role of this variant in disease. Therefore, it has been classified as a Variant of Uncertain Significance. This variant is not present in population databases (gnomAD no frequency). This sequence change replaces leucine, which is neutral and non-polar, with arginine, which is basic and polar, at codon 1221 of the DNAH8 protein (p.Leu1221Arg).

NM_001206927.2(DNAH8):c.3662T>G (p.Leu1221Arg)

Gene: DNAH8 (dynein axonemal heavy chain 8; plus strand). Cytogenetic location: 6p21.2.
Variant type: single nucleotide variant.
Coding change: c.3662T>G on transcript NM_001206927.2 (MANE Select); coding-DNA position 3662, T replaced by G.
Protein change: p.Leu1221Arg; replaces leucine 1221 with arginine.
Molecular consequence: missense variant.
Genome position (GRCh38, 1-based): chr6:38,822,976, T>G. VCF-style: chr6-38822976-T-G. GRCh37 (hg19) VCF-style: chr6-38790752-T-G.
Other names: c.3011T>G, p.Leu1004Arg (NM_001371.4); short protein forms L1221R, L1004R.
Identifiers: ClinVar variation 639575 (VCV000639575.9), dbSNP rs868651177, ClinGen allele CA137552583.